The following is an entry in ClinVar:

ClinVar aggregate classification (germline): Likely benign. Review status: criteria provided, single submitter (1 of 4 stars). 2 submissions from 2 submitters: Likely benign (1). 1 of the submissions does not count toward it. Last evaluated 2025-09-01.

Conditions:
NUP188-related disorder. Also called: NUP188-related condition.

Allele frequency attached by ClinVar (database versions not stated): ESP Exome Variant Server 0.00069; gnomAD 0.00096; TOPMed 0.00104; ExAC 0.00126.
gnomAD v4.1: 1,289 of 1,613,348 alleles (0.08%); highest among the groups gnomAD compares: Admixed American, 0.065%; 9 homozygotes.

Submissions (2):

CeGaT Center for Human Genetics Tuebingen
Classification: Likely benign. Last evaluated: 2025-09-01. Review status: criteria provided, single submitter. Criteria: CeGaT Center For Human Genetics Tuebingen Variant Classification Criteria Version 2. Collection method: clinical testing. Allele origin: germline. Affected: yes. Observed: 1 variant allele.
Comment: NUP188: BS2

PreventionGenetics, part of Exact Sciences
Classification: Benign for NUP188-related condition. Last evaluated: 2019-05-17. Review status: no assertion criteria provided. Collection method: clinical testing. Allele origin: germline. Not counted in ClinVar's aggregate classification.
Comment: This variant is classified as benign based on ACMG/AMP sequence variant interpretation guidelines (Richards et al. 2015 PMID: 25741868, with internal and published modifications).

NM_015354.3(NUP188):c.4036A>G (p.Thr1346Ala)

Gene: NUP188 (nucleoporin 188; plus strand). Cytogenetic location: 9q34.11.
Variant type: single nucleotide variant.
Coding change: c.4036A>G on transcript NM_015354.3 (MANE Select); coding-DNA position 4036, A replaced by G.
Protein change: p.Thr1346Ala; replaces threonine 1346 with alanine.
Molecular consequence: missense variant.
Genome position (GRCh38, 1-based): chr9:129,001,721, A>G. VCF-style: chr9-129001721-A-G. GRCh37 (hg19) VCF-style: chr9-131764000-A-G.
Other names: short protein forms T1346A.
Identifiers: ClinVar variation 3042188 (VCV003042188.9), dbSNP rs142077810, ClinGen allele CA5273162.